The following is an entry in ClinVar:

ClinVar aggregate classification (germline): Uncertain significance (1 of 4 stars; one submission).

Conditions:
Inborn genetic diseases. Identifiers: MedGen C0950123, MeSH D030342.

gnomAD v4.1: 3 of 1,613,884 alleles (0.00019%); highest among the groups gnomAD compares: Non-Finnish European, 0.00025%; no homozygotes.

Submission:

Ambry Genetics
Classification: Uncertain significance for Inborn genetic diseases. Last evaluated: 2022-01-18. Review status: criteria provided, single submitter. Criteria: Ambry Variant Classification Scheme 2023. Collection method: clinical testing. Allele origin: germline.
Comment: The p.Q631E variant (also known as c.1891C>G), located in coding exon 9 of the ATR gene, results from a C to G substitution at nucleotide position 1891. The glutamine at codon 631 is replaced by glutamic acid, an amino acid with highly similar properties. This amino acid position is conserved. In addition, this alteration is predicted to be tolerated by in silico analysis. Since supporting evidence is limited at this time, the clinical significance of this alteration remains unclear.

NM_001184.4(ATR):c.1891C>G (p.Gln631Glu)

Gene: ATR (ATR checkpoint kinase; minus strand). Cytogenetic location: 3q23.
Variant type: single nucleotide variant.
Coding change: c.1891C>G on transcript NM_001184.4 (MANE Select); coding-DNA position 1891, C replaced by G.
Protein change: p.Gln631Glu; replaces glutamine 631 with glutamic acid.
Molecular consequence: missense variant.
Genome position (GRCh38, 1-based): chr3:142,556,570, G>C on the plus strand (C>G on the coding strand, the complement: ATR is on the minus strand). VCF-style: chr3-142556570-G-C. GRCh37 (hg19) VCF-style: chr3-142275412-G-C.
Other names: c.1699C>G, p.Gln567Glu (NM_001354579.2); short protein forms Q631E, Q567E.
Identifiers: ClinVar variation 1782078 (VCV001782078.2), dbSNP rs953498984, ClinGen allele CA354819788.